The following is an entry in ClinVar:

ClinVar aggregate classification (germline): Conflicting classifications of pathogenicity. Review status: criteria provided, conflicting classifications (1 of 4 stars). 2 submissions from 2 submitters: Likely pathogenic (1); Uncertain significance (1). Last evaluated 2024-11-29.

Submissions (2):

Labcorp Genetics (formerly Invitae), Labcorp
Classification: Likely pathogenic. Last evaluated: 2024-11-29. Review status: criteria provided, single submitter. Criteria: Invitae Variant Classification Sherloc (09022015). Collection method: clinical testing. Allele origin: germline.
Comment: This variant, c.3998_4006del, results in the deletion of 3 amino acid(s) of the COL4A1 protein (p.Asp1333_Gly1335del), but otherwise preserves the integrity of the reading frame. This variant is not present in population databases (gnomAD no frequency). This variant has not been reported in the literature in individuals affected with COL4A1-related conditions. This variant disrupts the triple helix domain of COL4A1. Glycine residues within the Gly-Xaa-Yaa repeats of the triple helix domain are required for the structure and stability of fibrillar collagens (PMID: 7695699, 8218237, 19344236). In COL4A1 variants affecting these glycine residues are significantly enriched in individuals with disease (PMID: 9016532, 17078022) compared to the general population (ExAC). In summary, the currently available evidence indicates that the variant is pathogenic, but additional data are needed to prove that conclusively. Therefore, this variant has been classified as Likely Pathogenic.

GeneDx
Classification: Uncertain significance. Last evaluated: 2018-03-05. Review status: criteria provided, single submitter. Criteria: GeneDx Variant Classification Process June 2021. Collection method: clinical testing. Allele origin: germline. Affected: yes.
Comment: Not observed at significant frequency in large population cohorts (gnomAD); In-frame deletion of 3 amino acid(s) in a non-repeat region; Has not been previously published as pathogenic or benign to our knowledge

Literature cited by the submitters: PubMed 7695699 (cited by Labcorp Genetics (formerly Invitae), Labcorp); PubMed 8218237 (cited by Labcorp Genetics (formerly Invitae), Labcorp); PubMed 19344236 (cited by Labcorp Genetics (formerly Invitae), Labcorp); PubMed 9016532 (cited by Labcorp Genetics (formerly Invitae), Labcorp); PubMed 17078022 (cited by Labcorp Genetics (formerly Invitae), Labcorp).

NM_001845.6(COL4A1):c.3989ATCAAGGCG[1] (p.1330DQG[1])

Gene: COL4A1 (collagen type IV alpha 1 chain; minus strand). Cytogenetic location: 13q34.
Variant type: Microsatellite.
Coding change: c.3989ATCAAGGCG[1] on transcript NM_001845.6 (MANE Select); one copy of the 9-base unit ATCAAGGCG starting at c.3989; the reference has two copies in a row; one copy, 9 bases deleted; also written c.3998_4006del.
Protein change: p.1330DQG[1].
Molecular consequence: inframe deletion.
Genome position (GRCh38, 1-based): chr13:110,166,247-110,166,255, CGCCTTGAT deleted on the plus strand (ATCAAGGCG on the coding strand, the reverse complement: COL4A1 is on the minus strand); deleting any 9 consecutive bases within chr13:110,166,247-110,166,265 gives the same sequence; the position shown is the placement nearest the transcript's 3' end. VCF-style (leftmost placement, unchanged base first): chr13-110166246-ACGCCTTGAT-A. GRCh37 (hg19) VCF-style: chr13-110818593-ACGCCTTGAT-A.
Other names: c.3998_4006del (NM_001845.4).
Identifiers: ClinVar variation 2196434 (VCV002196434.5), dbSNP rs1471879261, ClinGen allele CA695029592.